The following is an entry in ClinVar:

ClinVar aggregate classification (germline): Uncertain significance (1 of 4 stars; one submission).

Conditions:
Imerslund-Grasbeck syndrome. Also called: Imerslund-Gräsbeck syndrome; PERNICIOUS ANEMIA, JUVENILE, DUE TO SELECTIVE INTESTINAL MALABSORPTION OF VITAMIN B12, WITH PROTEINURIA; ENTEROCYTE COBALAMIN MALABSORPTION; ENTEROCYTE INTRINSIC FACTOR RECEPTOR, DEFECT OF; Megaloblastic anemia due to inborn errors of metabolism. Identifiers: Orphanet 35858, MedGen C4551825, MONDO:0009853.

Allele frequency attached by ClinVar (database versions not stated): ExAC 0.00002; gnomAD 0.00002; TOPMed 0.00002.
gnomAD v4.1: 32 of 1,610,868 alleles (0.002%); highest among the groups gnomAD compares: Non-Finnish European, 0.0025%; no homozygotes.

Submission:

Labcorp Genetics (formerly Invitae), Labcorp
Classification: Uncertain significance for Imerslund-Grasbeck syndrome. Last evaluated: 2022-03-31. Review status: criteria provided, single submitter. Criteria: Invitae Variant Classification Sherloc (09022015). Collection method: clinical testing. Allele origin: germline.
Comment: In summary, the available evidence is currently insufficient to determine the role of this variant in disease. Therefore, it has been classified as a Variant of Uncertain Significance. Algorithms developed to predict the effect of missense changes on protein structure and function (SIFT, PolyPhen-2, Align-GVGD) all suggest that this variant is likely to be tolerated. This variant has not been reported in the literature in individuals affected with CUBN-related conditions. This variant is present in population databases (rs753497576, gnomAD 0.003%). This sequence change replaces leucine, which is neutral and non-polar, with phenylalanine, which is neutral and non-polar, at codon 930 of the CUBN protein (p.Leu930Phe).

NM_001081.4(CUBN):c.2790G>C (p.Leu930Phe)

Gene: CUBN (cubilin; minus strand). Cytogenetic location: 10p13.
Variant type: single nucleotide variant.
Coding change: c.2790G>C on transcript NM_001081.4 (MANE Select); coding-DNA position 2790, G replaced by C.
Protein change: p.Leu930Phe; replaces leucine 930 with phenylalanine.
Molecular consequence: missense variant.
Genome position (GRCh38, 1-based): chr10:17,068,606, C>G on the plus strand (G>C on the coding strand, the complement: CUBN is on the minus strand). VCF-style: chr10-17068606-C-G. GRCh37 (hg19) VCF-style: chr10-17110605-C-G.
Other names: short protein forms L930F.
Identifiers: ClinVar variation 1946331 (VCV001946331.4), dbSNP rs753497576, ClinGen allele CA5424875.
Genomic context (GRCh38, chr10:17,068,606, plus strand): 5'-ATTCACTTATTCTGATACAAGCCCAAGAGGAGGAAAAAAAAAAGGGAACAGTCTCTTACC[C>G]AAATCCTCAGCACTGAACTTAGCCATGAAACCATGGTTTTCAGTAGAAGAACTTTTCACG-3'
Protein context (NP_001072.2, residues 920-940): GFMAKFSAED[Leu930Phe]ACGEILTEST